The following is an entry in ClinVar:

NM_020822.3(KCNT1):c.3495C>T (p.Thr1165=)

Gene: KCNT1 (potassium sodium-activated channel subfamily T member 1; plus strand). Cytogenetic location: 9q34.3.
Variant type: single nucleotide variant.
Coding change: c.3495C>T on transcript NM_020822.3 (MANE Select); coding-DNA position 3495, C replaced by T.
Protein change: p.Thr1165=; no amino-acid change (threonine 1165 retained).
Molecular consequence: synonymous variant.
Genome position (GRCh38, 1-based): chr9:135,786,514, C>T. VCF-style: chr9-135786514-C-T. GRCh37 (hg19) VCF-style: chr9-138678360-C-T.
Other names: c.3360C>T, p.Thr1120= (NM_001272003.2).
Identifiers: ClinVar variation 383860 (VCV000383860.56), dbSNP rs374429090, ClinGen allele CA5327830.

ClinVar aggregate classification (germline): Benign/Likely benign. Review status: criteria provided, multiple submitters, no conflicts (2 of 4 stars). 7 submissions from 6 submitters: Benign (1); Likely benign (6). Last evaluated 2026-06-01.

Conditions:
Inborn genetic diseases. Identifiers: MedGen C0950123, MeSH D030342.
Autosomal dominant nocturnal frontal lobe epilepsy 5. Also called: CILIARY DYSKINESIA, PRIMARY, 28, WITHOUT SITUS INVERSUS; CILIARY DYSKINESIA, PRIMARY, 28, WITH SITUS INVERSUS; KCNT1-Related Epilepsy; Epilepsy, nocturnal frontal lobe, 5. Identifiers: Orphanet 98784, MedGen C3554306, MONDO:0014002, OMIM 615005.
Developmental and epileptic encephalopathy, 14 (DEE14). Also called: Early infantile epileptic encephalopathy 14. Identifiers: Orphanet 293181, MedGen C3554195, MONDO:0013989, OMIM 614959.

Allele frequency attached by ClinVar (database versions not stated): ExAC 0.00032; gnomAD exomes 0.00015; 1000 Genomes Project 30x 0.00016; 1000 Genomes Project 0.00020; gnomAD 0.00021 and 0.00024; ESP Exome Variant Server 0.00024; TOPMed 0.00027.
gnomAD v4.1: 83 of 1,592,260 alleles (0.0052%); highest among the groups gnomAD compares: African/African-American, 0.061%; no homozygotes.

Submissions (7):

CeGaT Center for Human Genetics Tuebingen
Classification: Likely benign. Last evaluated: 2026-06-01. Review status: criteria provided, single submitter. Criteria: CeGaT Center For Human Genetics Tuebingen Variant Classification Criteria Version 2. Collection method: clinical testing. Allele origin: germline. Affected: yes. Observed: 3 variant alleles.
Comment: KCNT1: BP4, BP7

Labcorp Genetics (formerly Invitae), Labcorp
Classification: Benign for Autosomal dominant nocturnal frontal lobe epilepsy 5; Developmental and epileptic encephalopathy, 14. Last evaluated: 2025-12-30. Review status: criteria provided, single submitter. Criteria: Invitae Variant Classification Sherloc (09022015). Collection method: clinical testing. Allele origin: germline.

Blueprint Genetics
Classification: Likely benign. Last evaluated: 2023-09-05. Review status: criteria provided, single submitter. Criteria: ACMG Guidelines, 2015. Collection method: clinical testing. Allele origin: germline.

Genome-Nilou Lab
Classification: Likely benign for Developmental and epileptic encephalopathy, 14. Last evaluated: 2022-03-15. Review status: criteria provided, single submitter. Criteria: ACMG Guidelines, 2015. Collection method: clinical testing. Allele origin: germline. Affected: no.

Genome-Nilou Lab
Classification: Likely benign for Autosomal dominant nocturnal frontal lobe epilepsy 5. Last evaluated: 2022-03-15. Review status: criteria provided, single submitter. Criteria: ACMG Guidelines, 2015. Collection method: clinical testing. Allele origin: germline. Affected: no.

GeneDx
Classification: Likely benign. Last evaluated: 2017-06-12. Review status: criteria provided, single submitter. Criteria: GeneDx Variant Classification (06012015). Collection method: clinical testing. Allele origin: germline. Affected: yes.
Comment: This variant is considered likely benign or benign based on one or more of the following criteria: it is a conservative change, it occurs at a poorly conserved position in the protein, it is predicted to be benign by multiple in silico algorithms, and/or has population frequency not consistent with disease.

Ambry Genetics
Classification: Likely benign for Inborn genetic diseases. Last evaluated: 2017-06-09. Review status: criteria provided, single submitter. Criteria: Ambry Variant Classification Scheme 2023. Collection method: clinical testing. Allele origin: germline.